The following is an entry in ClinVar:

ClinVar aggregate classification (germline): Uncertain significance (1 of 4 stars; one submission).

Conditions:
Oculodentodigital dysplasia, autosomal recessive. Also called: OCULODENTOOSSEOUS DYSPLASIA, AUTOSOMAL RECESSIVE; ODDD, AUTOSOMAL RECESSIVE; ODOD, AUTOSOMAL RECESSIVE. Identifiers: Orphanet 2710, MedGen C2749477, MONDO:0009768, OMIM 257850.

Allele frequency attached by ClinVar (database versions not stated): gnomAD exomes below 0.00001.
gnomAD v4.1: 1 of 1,613,952 alleles (0.000062%); highest among the groups gnomAD compares: Non-Finnish European, 0.000085%; no homozygotes.

Submission:

Labcorp Genetics (formerly Invitae), Labcorp
Classification: Uncertain significance for Oculodentodigital dysplasia, autosomal recessive. Last evaluated: 2022-11-01. Review status: criteria provided, single submitter. Criteria: Invitae Variant Classification Sherloc (09022015). Collection method: clinical testing. Allele origin: germline.
Comment: In summary, the available evidence is currently insufficient to determine the role of this variant in disease. Therefore, it has been classified as a Variant of Uncertain Significance. This sequence change replaces serine, which is neutral and polar, with glycine, which is neutral and non-polar, at codon 372 of the GJA1 protein (p.Ser372Gly). This variant is not present in population databases (gnomAD no frequency). This variant has not been reported in the literature in individuals affected with GJA1-related conditions. Advanced modeling of protein sequence and biophysical properties (such as structural, functional, and spatial information, amino acid conservation, physicochemical variation, residue mobility, and thermodynamic stability) has been performed at Invitae for this missense variant, however the output from this modeling did not meet the statistical confidence thresholds required to predict the impact of this variant on GJA1 protein function.

NM_000165.5(GJA1):c.1114A>G (p.Ser372Gly)

Gene: GJA1 (gap junction protein alpha 1; plus strand). Cytogenetic location: 6q22.31.
Variant type: single nucleotide variant.
Coding change: c.1114A>G on transcript NM_000165.5 (MANE Select); coding-DNA position 1114, A replaced by G.
Protein change: p.Ser372Gly; replaces serine 372 with glycine.
Molecular consequence: missense variant.
Genome position (GRCh38, 1-based): chr6:121,447,961, A>G. VCF-style: chr6-121447961-A-G. GRCh37 (hg19) VCF-style: chr6-121769107-A-G.
Other names: short protein forms S372G.
Identifiers: ClinVar variation 2128576 (VCV002128576.4), dbSNP rs2536823359, ClinGen allele CA365561137.